The following is an entry in ClinVar:

ClinVar aggregate classification (germline): Uncertain significance (1 of 4 stars; one submission).

Allele frequency attached by ClinVar (database versions not stated): gnomAD exomes below 0.00001; ExAC 0.00001.

Submission:

Labcorp Genetics (formerly Invitae), Labcorp
Classification: Uncertain significance. Last evaluated: 2024-08-30. Review status: criteria provided, single submitter. Criteria: Invitae Variant Classification Sherloc (09022015). Collection method: clinical testing. Allele origin: germline.
Comment: This sequence change replaces glutamine, which is neutral and polar, with lysine, which is basic and polar, at codon 628 of the CFH protein (p.Gln628Lys). This variant is present in population databases (rs766800847, gnomAD 0.0009%). This variant has not been reported in the literature in individuals affected with CFH-related conditions. An algorithm developed to predict the effect of missense changes on protein structure and function outputs the following: PolyPhen-2: "Benign". The lysine amino acid residue is found in multiple mammalian species, which suggests that this missense change does not adversely affect protein function. In summary, the available evidence is currently insufficient to determine the role of this variant in disease. Therefore, it has been classified as a Variant of Uncertain Significance.

NM_000186.4(CFH):c.1882C>A (p.Gln628Lys)

Gene: CFH (complement factor H; plus strand). Cytogenetic location: 1q31.3.
Variant type: single nucleotide variant.
Coding change: c.1882C>A on transcript NM_000186.4 (MANE Select); coding-DNA position 1882, C replaced by A.
Protein change: p.Gln628Lys; replaces glutamine 628 with lysine.
Molecular consequence: missense variant.
Genome position (GRCh38, 1-based): chr1:196,726,478, C>A. VCF-style: chr1-196726478-C-A. GRCh37 (hg19) VCF-style: chr1-196695608-C-A.
Other names: short protein forms Q628K.
Identifiers: ClinVar variation 2805756 (VCV002805756.3), dbSNP rs766800847, ClinGen allele CA1305521.